The following is an entry in ClinVar:

NM_001378615.1(CC2D2A):c.3155A>G (p.Asp1052Gly)

Genes: CC2D2A (coiled-coil and C2 domain containing 2A; plus strand), FBXL5 (F-box and leucine rich repeat protein 5; minus strand). Cytogenetic location: 4p15.32.
Variant type: single nucleotide variant.
Coding change: c.3155A>G on transcript NM_001378615.1 (MANE Select); coding-DNA position 3155, A replaced by G.
Protein change: p.Asp1052Gly; replaces aspartic acid 1052 with glycine.
Molecular consequence: missense variant.
Genome position (GRCh38, 1-based): chr4:15,563,495, A>G. VCF-style: chr4-15563495-A-G. GRCh37 (hg19) VCF-style: chr4-15565118-A-G.
Other names: c.3155A>G, p.Asp1052Gly (NM_001080522.2); c.3008A>G, p.Asp1003Gly (NM_001378617.1); short protein forms D1052G, D1003G.
Identifiers: ClinVar variation 1996420 (VCV001996420.4), dbSNP rs2475062101, ClinGen allele CA356416221.

ClinVar aggregate classification (germline): Uncertain significance (1 of 4 stars; one submission).

Conditions:
Joubert syndrome. Also called: JOUBERT-BOLTSHAUSER SYNDROME; Familial aplasia of the vermis. Identifiers: Orphanet 475, MedGen C5979921, MONDO:0018772.
Meckel-Gruber syndrome. Also called: DYSENCEPHALIA SPLANCHNOCYSTICA; GRUBER SYNDROME; Dysencephalia splachnocystica. Identifiers: Orphanet 564, MedGen C0265215, MONDO:0018921.

Submission:

Labcorp Genetics (formerly Invitae), Labcorp
Classification: Uncertain significance for Joubert syndrome; Meckel-Gruber syndrome. Last evaluated: 2022-06-15. Review status: criteria provided, single submitter. Criteria: Invitae Variant Classification Sherloc (09022015). Collection method: clinical testing. Allele origin: germline.
Comment: This sequence change replaces aspartic acid, which is acidic and polar, with glycine, which is neutral and non-polar, at codon 1052 of the CC2D2A protein (p.Asp1052Gly). This variant is not present in population databases (gnomAD no frequency). This variant has not been reported in the literature in individuals affected with CC2D2A-related conditions. Advanced modeling of protein sequence and biophysical properties (such as structural, functional, and spatial information, amino acid conservation, physicochemical variation, residue mobility, and thermodynamic stability) performed at Invitae indicates that this missense variant is expected to disrupt CC2D2A protein function. In summary, the available evidence is currently insufficient to determine the role of this variant in disease. Therefore, it has been classified as a Variant of Uncertain Significance.